The following is an entry in ClinVar:

NM_000038.6(APC):c.7794C>G (p.Thr2598=)

Gene: APC (APC regulator of Wnt signaling pathway; plus strand). Cytogenetic location: 5q22.2.
Variant type: single nucleotide variant.
Coding change: c.7794C>G on transcript NM_000038.6 (MANE Select); coding-DNA position 7794, C replaced by G.
Protein change: p.Thr2598=; no amino-acid change (threonine 2598 retained).
Molecular consequence: synonymous variant.
Genome position (GRCh38, 1-based): chr5:112,843,388, C>G. VCF-style: chr5-112843388-C-G. GRCh37 (hg19) VCF-style: chr5-112179085-C-G.
Other names: c.7794C>G, p.Thr2598= (NM_001127510.3, NM_001354895.2); c.7740C>G, p.Thr2580= (NM_001127511.3); c.7848C>G, p.Thr2616= (NM_001354896.2); c.7824C>G, p.Thr2608= (NM_001354897.2); c.7719C>G, p.Thr2573= (NM_001354898.2); c.7710C>G, p.Thr2570= (NM_001354899.2); c.7671C>G, p.Thr2557= (NM_001354900.2); c.7617C>G, p.Thr2539= (NM_001354901.2); and 5 more.
Identifiers: ClinVar variation 630903 (VCV000630903.25), dbSNP rs1554088662, ClinGen allele CA446211241.

ClinVar aggregate classification (germline): Benign/Likely benign. Review status: criteria provided, multiple submitters, no conflicts (2 of 4 stars). 5 submissions from 5 submitters: Benign (1); Likely benign (4). Last evaluated 2025-03-17.

Conditions:
Hereditary cancer-predisposing syndrome. Also called: Tumor predisposition; Neoplastic Syndromes, Hereditary; Hereditary neoplastic syndrome; Hereditary Cancer Syndrome. Identifiers: Orphanet 140162, MedGen C0027672, MeSH D009386, MONDO:0015356.
Familial adenomatous polyposis 1 (FAP1). Also called: POLYPOSIS, ADENOMATOUS INTESTINAL; FAMILIAL ADENOMATOUS POLYPOSIS 1, ATTENUATED. Identifiers: MedGen C2713442, MONDO:0021056, OMIM 175100. Disease mechanism: loss of function.

Allele frequency attached by ClinVar (database versions not stated): TOPMed below 0.00001.
gnomAD v4.1: 1 of 1,613,238 alleles (0.000062%); no homozygotes.

Submissions (5):

Labcorp Genetics (formerly Invitae), Labcorp
Classification: Likely benign for Familial adenomatous polyposis 1. Last evaluated: 2025-03-17. Review status: criteria provided, single submitter. Criteria: Invitae Variant Classification Sherloc (09022015). Collection method: clinical testing. Allele origin: germline.

Myriad Genetics, Inc.
Classification: Benign for Familial adenomatous polyposis 1. Last evaluated: 2024-04-10. Review status: criteria provided, single submitter. Criteria: Myriad Autosomal Dominant, Autosomal Recessive and X-Linked Classification Criteria (2023). Collection method: clinical testing. Allele origin: unknown.
Comment: This variant is considered benign. This variant is a silent/synonymous amino acid change and it is not expected to impact splicing.

ARUP Laboratories, Molecular Genetics and Genomics, ARUP Laboratories
Classification: Likely benign. Last evaluated: 2019-12-13. Review status: criteria provided, single submitter. Criteria: ARUP Molecular Germline Variant Investigation Process. Collection method: clinical testing. Allele origin: germline.

Ambry Genetics
Classification: Likely benign for Hereditary cancer-predisposing syndrome. Last evaluated: 2019-11-20. Review status: criteria provided, single submitter. Criteria: Ambry Variant Classification Scheme 2023. Collection method: clinical testing. Allele origin: germline.

Color Diagnostics, LLC DBA Color Health
Classification: Likely benign for Hereditary cancer-predisposing syndrome. Last evaluated: 2017-11-26. Review status: criteria provided, single submitter. Criteria: ACMG Guidelines, 2015. Collection method: clinical testing. Allele origin: germline.